The following is an entry in ClinVar:

NM_001035.3(RYR2):c.6637G>T (p.Ala2213Ser)

Gene: RYR2 (ryanodine receptor 2; plus strand). Cytogenetic location: 1q43.
Variant type: single nucleotide variant.
Coding change: c.6637G>T on transcript NM_001035.3 (MANE Select); coding-DNA position 6637, G replaced by T.
Protein change: p.Ala2213Ser; replaces alanine 2213 with serine.
Molecular consequence: missense variant.
Genome position (GRCh38, 1-based): chr1:237,633,659, G>T. VCF-style: chr1-237633659-G-T. GRCh37 (hg19) VCF-style: chr1-237796959-G-T.
Other names: c.6637G>T (NM_001035.2); short protein forms A2213S.
Identifiers: ClinVar variation 921600 (VCV000921600.8), dbSNP rs1680569929, ClinGen allele CA345394218.
Genomic context (GRCh38, chr1:237,633,659, plus strand): 5'-GTGGCCAACTGTTGCCGTTTTCTCTGTTACTTCTGTCGTATAAGTAGGCAGAATCAAAAA[G>T]CTATGTTTGATCATCTCAGTTATTTACTGGAAAACAGCAGTGTTGGTCTTGGTAAGTAAA-3'
Protein context (NP_001026.2, residues 2203-2223): FCRISRQNQK[Ala2213Ser]MFDHLSYLLE

ClinVar aggregate classification (germline): Uncertain significance. Review status: criteria provided, multiple submitters, no conflicts (2 of 4 stars). 5 submissions from 5 submitters: Uncertain significance (5). Last evaluated 2025-10-02.

Conditions:
Cardiovascular phenotype. Identifiers: MedGen CN230736.
Cardiomyopathy (CMYO). Also called: Cardiomyopathies. Identifiers: Orphanet 167848, MedGen C0878544, MONDO:0004994, HP:0001638. Inheritance: Various modes of inheritance.
Catecholaminergic polymorphic ventricular tachycardia 1. Also called: VENTRICULAR TACHYCARDIA, CATECHOLAMINERGIC POLYMORPHIC, 1, WITH OR WITHOUT ATRIAL DYSFUNCTION AND/OR DILATED CARDIOMYOPATHY; RYR2-Related Catecholaminergic Polymorphic Ventricular Tachycardia; VENTRICULAR TACHYCARDIA, STRESS-INDUCED POLYMORPHIC 1. Identifiers: Orphanet 3286, MedGen C1631597, MONDO:0011484, OMIM 604772.

Allele frequency attached by ClinVar (database versions not stated): gnomAD exomes below 0.00001.
gnomAD v4.1: 2 of 1,613,824 alleles (0.00012%); highest among the groups gnomAD compares: Middle Eastern, 0.016%; no homozygotes.

Submissions (5):

Ambry Genetics
Classification: Uncertain significance for Cardiovascular phenotype. Last evaluated: 2025-10-02. Review status: criteria provided, single submitter. Criteria: Ambry Variant Classification Scheme 2023. Collection method: clinical testing. Allele origin: germline.
Comment: The p.A2213S variant (also known as c.6637G>T), located in coding exon 43 of the RYR2 gene, results from a G to T substitution at nucleotide position 6637. The alanine at codon 2213 is replaced by serine, an amino acid with similar properties. This variant was reported in individual(s) with features consistent with arrhythmogenic right ventricular cardiomyopathy (ARVC), epileptic encephalopathy and sudden cardiac arrest (Roux-Buisson N et al. Heart Rhythm, 2014 Nov;11:1999-2009; de Kovel CG et al. Mol Genet Genomic Med, 2016 Sep;4:568-80; Grondin S et al. Eur Heart J, 2022 Aug;43:3071-3081). This amino acid position is highly conserved in available vertebrate species. In addition, the in silico prediction for this alteration is inconclusive. Based on the available evidence, the clinical significance of this variant remains unclear.

GeneDx
Classification: Uncertain significance. Last evaluated: 2025-04-01. Review status: criteria provided, single submitter. Criteria: GeneDx Variant Classification Process June 2021. Collection method: clinical testing. Allele origin: germline. Affected: yes.
Comment: Not observed at significant frequency in large population cohorts (gnomAD); In silico analysis indicates that this missense variant does not alter protein structure/function; Not located in one of the three hot-spot regions of the RYR2 gene, where the majority of pathogenic missense variants occur (PMID: 19926015); This variant is associated with the following publications: (PMID: 19926015, 31402444, 25041964, 35352813)

Labcorp Genetics (formerly Invitae), Labcorp
Classification: Uncertain significance for Catecholaminergic polymorphic ventricular tachycardia 1. Last evaluated: 2021-08-28. Review status: criteria provided, single submitter. Criteria: Invitae Variant Classification Sherloc (09022015). Collection method: clinical testing. Allele origin: germline.
Comment: This sequence change replaces alanine with serine at codon 2213 of the RYR2 protein (p.Ala2213Ser). The alanine residue is highly conserved and there is a moderate physicochemical difference between alanine and serine. This variant is not present in population databases (ExAC no frequency). This missense change has been observed in individual(s) with arrhythmogenic right ventricular cardiomyopathy (PMID: 25041964). ClinVar contains an entry for this variant (Variation ID: 921600). Algorithms developed to predict the effect of missense changes on protein structure and function (SIFT, PolyPhen-2, Align-GVGD) all suggest that this variant is likely to be disruptive. In summary, the available evidence is currently insufficient to determine the role of this variant in disease. Therefore, it has been classified as a Variant of Uncertain Significance.

Color Diagnostics, LLC DBA Color Health
Classification: Uncertain significance for Cardiomyopathy. Last evaluated: 2019-05-21. Review status: criteria provided, single submitter. Criteria: ACMG Guidelines, 2015. Collection method: clinical testing. Allele origin: germline.
Comment: This missense variant replaces alanine with serine at codon 2213 of the RYR2 protein. Computational prediction tools and conservation analyses are inconclusive regarding the impact of this variant on the protein function. Computational splicing tools suggest that this variant may not impact RNA splicing. To our knowledge, functional assays have not been performed for this variant. This variant has been reported in an individual affected with arrhythmogenic right ventricular cardiomyopathy (PMID: 25041964). This variant has not been identified in the general population by the Genome Aggregation Database (gnomAD). Available evidence is insufficient to determine the role of this variant in disease conclusively. Therefore, this variant is classified as a Variant of Uncertain Significance.

Breakthrough Genomics
Classification: Uncertain significance. Review status: criteria provided, single submitter. Criteria: ACMG Guidelines, 2015. Collection method: not provided. Allele origin: germline. Inheritance: Autosomal dominant inheritance. Affected: yes.

Literature cited by the submitters: PubMed 25041964 (cited by Ambry Genetics and Labcorp Genetics (formerly Invitae), Labcorp); PubMed 27652284 (cited by Ambry Genetics); PubMed 35352813 (cited by Ambry Genetics).